The following is an entry in ClinVar:

NM_001161352.2(KCNMA1):c.452C>T (p.Ala151Val)

Gene: KCNMA1 (potassium calcium-activated channel subfamily M alpha 1; minus strand). Cytogenetic location: 10q22.3.
Variant type: single nucleotide variant.
Coding change: c.452C>T on transcript NM_001161352.2 (MANE Select); coding-DNA position 452, C replaced by T.
Protein change: p.Ala151Val; replaces alanine 151 with valine.
Molecular consequence: missense variant. On other transcripts: intron variant (1).
Genome position (GRCh38, 1-based): chr10:77,403,950, G>A on the plus strand (C>T on the coding strand, the complement: KCNMA1 is on the minus strand). VCF-style: chr10-77403950-G-A. GRCh37 (hg19) VCF-style: chr10-79163708-G-A.
Other names: c.452C>T, p.Ala151Val (NM_001014797.3, NM_001161353.2, NM_001271519.2 and 8 more transcripts); c.379-152694C>T (NM_001271518.2); short protein forms A151V.
Identifiers: ClinVar variation 1719131 (VCV001719131.6), dbSNP rs2552212839, ClinGen allele CA377411106.

ClinVar aggregate classification (germline): Uncertain significance (1 of 4 stars; one submission).

Conditions:
Generalized epilepsy-paroxysmal dyskinesia syndrome (PNKD3). Also called: Generalized epilepsy and paroxysmal dyskinesia; Paroxysmal nonkinesigenic dyskinesia, 3, with or without generalized epilepsy. Identifiers: Orphanet 79137, MedGen C5574945, MONDO:0012276, OMIM 609446.

Allele frequency attached by ClinVar (database versions not stated): gnomAD exomes below 0.00001.
gnomAD v4.1: 1 of 1,614,122 alleles (0.000062%); highest among the groups gnomAD compares: East Asian, 0.0022%; no homozygotes.

Submission:

Labcorp Genetics (formerly Invitae), Labcorp
Classification: Uncertain significance for Generalized epilepsy-paroxysmal dyskinesia syndrome. Last evaluated: 2024-02-26. Review status: criteria provided, single submitter. Criteria: Invitae Variant Classification Sherloc (09022015). Collection method: clinical testing. Allele origin: germline.
Comment: This sequence change replaces alanine, which is neutral and non-polar, with valine, which is neutral and non-polar, at codon 151 of the KCNMA1 protein (p.Ala151Val). This variant is not present in population databases (gnomAD no frequency). This variant has not been reported in the literature in individuals affected with KCNMA1-related conditions. ClinVar contains an entry for this variant (Variation ID: 1719131). Advanced modeling of protein sequence and biophysical properties (such as structural, functional, and spatial information, amino acid conservation, physicochemical variation, residue mobility, and thermodynamic stability) performed at Invitae indicates that this missense variant is not expected to disrupt KCNMA1 protein function with a negative predictive value of 80%. In summary, the available evidence is currently insufficient to determine the role of this variant in disease. Therefore, it has been classified as a Variant of Uncertain Significance.